The following is an entry in ClinVar:

NM_004304.5(ALK):c.782G>T (p.Arg261Leu)

Gene: ALK (ALK receptor tyrosine kinase; minus strand). Cytogenetic location: 2p23.2.
Variant type: single nucleotide variant.
Coding change: c.782G>T on transcript NM_004304.5 (MANE Select); coding-DNA position 782, G replaced by T.
Protein change: p.Arg261Leu; replaces arginine 261 with leucine.
Molecular consequence: missense variant.
Genome position (GRCh38, 1-based): chr2:29,717,583, C>A on the plus strand (G>T on the coding strand, the complement: ALK is on the minus strand). VCF-style: chr2-29717583-C-A. GRCh37 (hg19) VCF-style: chr2-29940449-C-A.
Other names: short protein forms R261L.
Identifiers: ClinVar variation 860142 (VCV000860142.11), dbSNP rs375097381, ClinGen allele CA1594869.

ClinVar aggregate classification (germline): Uncertain significance. Review status: criteria provided, multiple submitters, no conflicts (2 of 4 stars). 4 submissions from 4 submitters: Uncertain significance (4). Last evaluated 2026-01-13.

Conditions:
Hereditary cancer-predisposing syndrome. Also called: Hereditary neoplastic syndrome; Tumor predisposition; Neoplastic Syndromes, Hereditary; Hereditary Cancer Syndrome. Identifiers: Orphanet 140162, MedGen C0027672, MeSH D009386, MONDO:0015356.
Neuroblastoma, susceptibility to, 3. Also called: ALK-Related Neuroblastic Tumor Susceptibility. Identifiers: Orphanet 635, MedGen C2751681, MONDO:0013083, OMIM 613014.

Allele frequency attached by ClinVar (database versions not stated): TOPMed 0.00006; ESP Exome Variant Server 0.00008.
gnomAD v4.1: 23 of 1,613,796 alleles (0.0014%); highest among the groups gnomAD compares: African/African-American, 0.029%; no homozygotes.

Submissions (4):

Labcorp Genetics (formerly Invitae), Labcorp
Classification: Uncertain significance for Neuroblastoma, susceptibility to, 3. Last evaluated: 2026-01-13. Review status: criteria provided, single submitter. Criteria: Invitae Variant Classification Sherloc (09022015). Collection method: clinical testing. Allele origin: germline.
Comment: This sequence change replaces arginine, which is basic and polar, with leucine, which is neutral and non-polar, at codon 261 of the ALK protein (p.Arg261Leu). This variant is present in population databases (rs375097381, gnomAD 0.03%). This variant has not been reported in the literature in individuals affected with ALK-related conditions. ClinVar contains an entry for this variant (Variation ID: 860142). An algorithm developed to predict the effect of missense changes on protein structure and function (PolyPhen-2) suggests that this variant is likely to be disruptive. In summary, the available evidence is currently insufficient to determine the role of this variant in disease. Therefore, it has been classified as a Variant of Uncertain Significance.

Ambry Genetics
Classification: Uncertain significance for Hereditary cancer-predisposing syndrome. Last evaluated: 2025-02-28. Review status: criteria provided, single submitter. Criteria: Ambry Variant Classification Scheme 2023. Collection method: clinical testing. Allele origin: germline.
Comment: The p.R261L variant (also known as c.782G>T), located in coding exon 2 of the ALK gene, results from a G to T substitution at nucleotide position 782. The arginine at codon 261 is replaced by leucine, an amino acid with dissimilar properties. This amino acid position is highly conserved in available vertebrate species. In addition, this alteration is predicted to be deleterious by in silico analysis. Based on the available evidence, the clinical significance of this variant remains unclear.

GeneDx
Classification: Uncertain significance. Last evaluated: 2024-02-12. Review status: criteria provided, single submitter. Criteria: GeneDx Variant Classification Process June 2021. Collection method: clinical testing. Allele origin: germline. Affected: yes.
Comment: Not observed at significant frequency in large population cohorts (gnomAD); In silico analysis supports that this missense variant does not alter protein structure/function; Has not been previously published as pathogenic or benign to our knowledge

Revvity Omics, Revvity
Classification: Uncertain significance. Last evaluated: 2020-05-18. Review status: criteria provided, single submitter. Criteria: ACMG Guidelines, 2015. Collection method: clinical testing. Allele origin: germline.